The following is an entry in ClinVar:

NM_001267550.2(TTN):c.96978G>A (p.Leu32326=)

Genes: TTN (titin; minus strand), TTN-AS1 (TTN antisense RNA 1; plus strand). Cytogenetic location: 2q31.2.
Variant type: single nucleotide variant.
Coding change: c.96978G>A on transcript NM_001267550.2 (MANE Select); coding-DNA position 96978, G replaced by A.
Protein change: p.Leu32326=; no amino-acid change (leucine 32326 retained).
Molecular consequence: synonymous variant.
Genome position (GRCh38, 1-based): chr2:178,542,876, C>T on the plus strand (G>A on the coding strand, the complement: TTN is on the minus strand). VCF-style: chr2-178542876-C-T. GRCh37 (hg19) VCF-style: chr2-179407603-C-T.
Other names: c.92055G>A, p.Leu30685= (NM_001256850.1); c.89274G>A, p.Leu29758= (NM_133378.4); c.69783G>A, p.Leu23261= (NM_003319.4); c.70158G>A, p.Leu23386= (NM_133432.3); c.70359G>A, p.Leu23453= (NM_133437.4).
Identifiers: ClinVar variation 47576 (VCV000047576.46), dbSNP rs397517765, ClinGen allele CA141392.

ClinVar aggregate classification (germline): Likely benign. Review status: criteria provided, multiple submitters, no conflicts (2 of 4 stars). 8 submissions from 8 submitters: Likely benign (5). 3 of the submissions do not count toward it. Last evaluated 2026-01-07.

Conditions:
TTN-related disorder. Also called: TTN-related condition; TTN-related disease; TTN-related disorders.
Dilated cardiomyopathy 1G (CMD1G). Identifiers: Orphanet 154, MedGen C1858763, MONDO:0011400, OMIM 604145.
Autosomal recessive limb-girdle muscular dystrophy type 2J (LGMDR10). Also called: Limb-girdle muscular dystrophy, type 2J; MUSCULAR DYSTROPHY, LIMB-GIRDLE, AUTOSOMAL RECESSIVE 10. Identifiers: Orphanet 140922, MedGen C1837342, MONDO:0012127, OMIM 608807.
Cardiovascular phenotype. Identifiers: MedGen CN230736.

Allele frequency attached by ClinVar (database versions not stated): TOPMed below 0.00001; gnomAD 0.00001.
gnomAD v4.1: 18 of 1,613,642 alleles (0.0011%); highest among the groups gnomAD compares: Middle Eastern, 0.033%; no homozygotes.

Submissions (8):

Labcorp Genetics (formerly Invitae), Labcorp
Classification: Likely benign for Dilated cardiomyopathy 1G; Autosomal recessive limb-girdle muscular dystrophy type 2J. Last evaluated: 2026-01-07. Review status: criteria provided, single submitter. Criteria: Invitae Variant Classification Sherloc (09022015). Collection method: clinical testing. Allele origin: germline.

CeGaT Center for Human Genetics Tuebingen
Classification: Likely benign. Last evaluated: 2025-10-01. Review status: criteria provided, single submitter. Criteria: CeGaT Center For Human Genetics Tuebingen Variant Classification Criteria Version 2. Collection method: clinical testing. Allele origin: germline. Affected: yes. Observed: 3 variant alleles.
Comment: TTN: BP4, BP7

Ambry Genetics
Classification: Likely benign for Cardiovascular phenotype. Last evaluated: 2024-05-02. Review status: criteria provided, single submitter. Criteria: Ambry Variant Classification Scheme 2023. Collection method: clinical testing. Allele origin: germline.

GeneDx
Classification: Likely benign. Last evaluated: 2017-11-27. Review status: criteria provided, single submitter. Criteria: GeneDx Variant Classification (06012015). Collection method: clinical testing. Allele origin: germline. Affected: yes.
Comment: This variant is considered likely benign or benign based on one or more of the following criteria: it is a conservative change, it occurs at a poorly conserved position in the protein, it is predicted to be benign by multiple in silico algorithms, and/or has population frequency not consistent with disease.

Laboratory for Molecular Medicine, Mass General Brigham Personalized Medicine
Classification: Likely benign. Last evaluated: 2011-12-13. Review status: criteria provided, single submitter. Criteria: LMM Criteria. Collection method: clinical testing. Allele origin: germline. Observed: 1 variant allele.
Comment: Leu29758Leu in exon 297 of TTN: This variant is not expected to have clinical si gnificance because it does not alter an amino acid residue and is not located wi thin the splice consensus sequence. Leu29758Leu in exon 297 of TTN (allele freq uency = n/a)

PreventionGenetics, part of Exact Sciences
Classification: Likely benign for TTN-related condition. Last evaluated: 2019-02-20. Review status: no assertion criteria provided. Collection method: clinical testing. Allele origin: germline. Not counted in ClinVar's aggregate classification.
Comment: This variant is classified as likely benign based on ACMG/AMP sequence variant interpretation guidelines (Richards et al. 2015 PMID: 25741868, with internal and published modifications).

Clinical Genetics DNA and cytogenetics Diagnostics Lab, Erasmus MC, Erasmus Medical Center
Classification: Likely benign. Review status: no assertion criteria provided. Collection method: clinical testing. Allele origin: germline. Affected: yes. Study: VKGL Data-share Consensus. Not counted in ClinVar's aggregate classification.

Clinical Genetics, Academic Medical Center
Classification: Benign. Review status: no assertion criteria provided. Collection method: clinical testing. Allele origin: germline. Affected: yes. Study: VKGL Data-share Consensus. Not counted in ClinVar's aggregate classification.